The following is an entry in ClinVar:

NM_017617.5(NOTCH1):c.3908G>A (p.Arg1303His)

Gene: NOTCH1 (notch receptor 1; minus strand). Cytogenetic location: 9q34.3.
Variant type: single nucleotide variant.
Coding change: c.3908G>A on transcript NM_017617.5 (MANE Select); coding-DNA position 3908, G replaced by A.
Protein change: p.Arg1303His; replaces arginine 1303 with histidine.
Molecular consequence: missense variant.
Genome position (GRCh38, 1-based): chr9:136,506,633, C>T on the plus strand (G>A on the coding strand, the complement: NOTCH1 is on the minus strand). VCF-style: chr9-136506633-C-T. GRCh37 (hg19) VCF-style: chr9-139401085-C-T.
Other names: c.3908G>A, p.Arg1303His (LRG_1122t1); short protein forms R1303H.
Identifiers: ClinVar variation 477924 (VCV000477924.13), dbSNP rs768775024, ClinGen allele CA5340757.

ClinVar aggregate classification (germline): Conflicting classifications of pathogenicity. Review status: criteria provided, conflicting classifications (1 of 4 stars). 4 submissions from 4 submitters: Uncertain significance (3); Likely benign (1). Last evaluated 2025-09-10.

Conditions:
Adams-Oliver syndrome 5 (AOS5). Identifiers: Orphanet 974, MedGen C4014970, MONDO:0014459, OMIM 616028.
Familial thoracic aortic aneurysm and aortic dissection (TAAD). Also called: Thoracic aortic aneurysms and dissections. Identifiers: Orphanet 91387, MedGen C4707243, MONDO:0019625.
Aortic valve disease 1 (AOVD1). Identifiers: MedGen C3887892, MONDO:0024523, OMIM 109730.

Allele frequency attached by ClinVar (database versions not stated): gnomAD 0.00001; gnomAD exomes 0.00001 and 0.00006; TOPMed 0.00002; ExAC 0.00008.
gnomAD v4.1: 21 of 1,606,752 alleles (0.0013%); highest among the groups gnomAD compares: Admixed American, 0.025%; no homozygotes.

Submissions (4):

Labcorp Genetics (formerly Invitae), Labcorp
Classification: Likely benign for Adams-Oliver syndrome 5. Last evaluated: 2025-09-10. Review status: criteria provided, single submitter. Criteria: Invitae Variant Classification Sherloc (09022015). Collection method: clinical testing. Allele origin: germline.

Ambry Genetics
Classification: Uncertain significance for Familial thoracic aortic aneurysm and aortic dissection. Last evaluated: 2024-07-17. Review status: criteria provided, single submitter. Criteria: Ambry Variant Classification Scheme 2023. Collection method: clinical testing. Allele origin: germline.
Comment: The p.R1303H variant (also known as c.3908G>A), located in coding exon 24 of the NOTCH1 gene, results from a G to A substitution at nucleotide position 3908. The arginine at codon 1303 is replaced by histidine, an amino acid with highly similar properties. This amino acid position is well conserved in available vertebrate species. In addition, this alteration is predicted to be tolerated by in silico analysis. Based on the available evidence, the clinical significance of this variant remains unclear.

ARUP Laboratories, Molecular Genetics and Genomics, ARUP Laboratories
Classification: Uncertain significance. Last evaluated: 2023-10-17. Review status: criteria provided, single submitter. Criteria: ARUP Molecular Germline Variant Investigation Process 2024. Collection method: clinical testing. Allele origin: germline.
Comment: The NOTCH1 c.3908G>A; p.Arg1303His variant (rs768775024), to our knowledge, is not reported in the medical literature but is reported in ClinVar (Variation ID: 477924). This variant is found in the general population with an overall allele frequency of 0.0060% (16/265526 alleles) in the Genome Aggregation Database. Computational analyses are uncertain whether this variant is neutral or deleterious (REVEL: 0.323). Due to limited information, the clinical significance of this variant is uncertain at this time.

Center for Genomics, Ann and Robert H. Lurie Children's Hospital of Chicago
Classification: Uncertain significance for Adams-Oliver syndrome 5; Aortic valve disease 1. Review status: criteria provided, single submitter. Criteria: ACMG Guidelines, 2015. Collection method: clinical testing. Allele origin: germline.
Comment: NOTCH1 NM_017617 exon24 p.Arg1303His (c.3908G>A): This variant has not been reported in the literature but is present in 14/33164 Latino chromosomes in the Genome Aggregation Database. Computational predictive tools suggest that this variant may not impact the protein. Of note, 5 other species carry a histidine (His) at this position, further suggesting that this variant may not impact the protein. In summary, data on this variant is insufficient for disease classification. Therefore, the clinical significance of this variant is uncertain.